The following is an entry in ClinVar:

ClinVar aggregate classification (germline): Uncertain significance (1 of 4 stars; one submission).

Submission:

Labcorp Genetics (formerly Invitae), Labcorp
Classification: Uncertain significance. Last evaluated: 2025-09-30. Review status: criteria provided, single submitter. Criteria: Invitae Variant Classification Sherloc (09022015). Collection method: clinical testing. Allele origin: germline.
Comment: This sequence change replaces arginine, which is basic and polar, with isoleucine, which is neutral and non-polar, at codon 262 of the STAG1 protein (p.Arg262Ile). This variant is not present in population databases (gnomAD no frequency). This variant has not been reported in the literature in individuals affected with STAG1-related conditions. Invitae Evidence Modeling of protein sequence and biophysical properties (such as structural, functional, and spatial information, amino acid conservation, physicochemical variation, residue mobility, and thermodynamic stability) has been performed for this missense variant. However, the output from this modeling did not meet the statistical confidence thresholds required to predict the impact of this variant on STAG1 protein function. In summary, the available evidence is currently insufficient to determine the role of this variant in disease. Therefore, it has been classified as a Variant of Uncertain Significance.

NM_005862.3(STAG1):c.785G>T (p.Arg262Ile)

Gene: STAG1 (STAG1 cohesin complex component; minus strand). Cytogenetic location: 3q22.3.
Variant type: single nucleotide variant.
Coding change: c.785G>T on transcript NM_005862.3 (MANE Select); coding-DNA position 785, G replaced by T.
Protein change: p.Arg262Ile; replaces arginine 262 with isoleucine.
Molecular consequence: missense variant.
Genome position (GRCh38, 1-based): chr3:136,502,671, C>A on the plus strand (G>T on the coding strand, the complement: STAG1 is on the minus strand). VCF-style: chr3-136502671-C-A. GRCh37 (hg19) VCF-style: chr3-136221513-C-A.
Other names: short protein forms R262I.
Identifiers: ClinVar variation 4742441 (VCV004742441.1).